The following is an entry in ClinVar:

NM_004960.4(FUS):c.684_689del (p.Gly230_Gly231del)

Gene: FUS (FUS RNA binding protein; plus strand). Cytogenetic location: 16p11.2.
Variant type: Deletion.
Coding change: c.684_689del on transcript NM_004960.4 (MANE Select); coding-DNA positions 684 to 689, 6 bases deleted (CGGTGG; older notation c.684_689delCGGTGG).
Protein change: p.Gly230_Gly231del.
Molecular consequence: inframe deletion. On other transcripts: non-coding transcript variant (1), inframe indel (1).
Genome position (GRCh38, 1-based): chr16:31,185,099-31,185,104, CGGTGG deleted; deleting any 6 consecutive bases within chr16:31,185,097-31,185,104 gives the same sequence; the c. name uses the placement nearest the transcript's 3' end. VCF-style (leftmost placement, unchanged base first): chr16-31185096-CGGCGGT-C. GRCh37 (hg19) VCF-style: chr16-31196417-CGGCGGT-C.
Other names: c.681_686del, p.Gly229_Gly230del (NM_001170634.1); c.672_677del, p.Gly226_Gly227del (NM_001170937.1); c.684_689del6 (NM_004960.3).
Identifiers: ClinVar variation 4981697 (VCV004981697.1).
Genomic context (GRCh38, chr16:31,185,096, plus strand): 5'-CTATGGACAGCAGGACCGTGGAGGCCGCGGCAGGGGTGGCAGTGGTGGCGGCGGCGGCGG[CGGCGGT>C]GGTGGTTACAACCGCAGCAGTGGTGGCTATGAACCCAGAGGTCGTGGAGGTGGCCGTGGA-3'

ClinVar aggregate classification (germline): Likely benign (1 of 4 stars; one submission).

Conditions:
FUS-related disorder. Also called: FUS-related condition.

Submission:

PreventionGenetics, part of Exact Sciences
Classification: Likely benign for FUS-related condition. Last evaluated: 2026-01-30. Review status: criteria provided, single submitter. Criteria: ACMG Guidelines, 2015. Collection method: clinical testing. Allele origin: germline.
Comment: This variant is classified as likely benign based on ACMG/AMP sequence variant interpretation guidelines (Richards et al. 2015 PMID: 25741868, with internal and published modifications).